The following is an entry in ClinVar:

NM_201384.3(PLEC):c.8024G>A (p.Gly2675Asp)

Gene: PLEC (plectin; minus strand). Cytogenetic location: 8q24.3.
Variant type: single nucleotide variant.
Coding change: c.8024G>A on transcript NM_201384.3 (MANE Select); coding-DNA position 8024, G replaced by A.
Protein change: p.Gly2675Asp; replaces glycine 2675 with aspartic acid.
Molecular consequence: missense variant.
Genome position (GRCh38, 1-based): chr8:143,921,797, C>T on the plus strand (G>A on the coding strand, the complement: PLEC is on the minus strand). VCF-style: chr8-143921797-C-T. GRCh37 (hg19) VCF-style: chr8-144995965-C-T.
Other names: c.8105G>A, p.Gly2702Asp (NM_000445.5); c.4724G>A, p.Gly1575Asp (NM_001410941.1); c.7982G>A, p.Gly2661Asp (NM_201378.4); c.7958G>A, p.Gly2653Asp (NM_201379.3); c.8435G>A, p.Gly2812Asp (NM_201380.4); c.7928G>A, p.Gly2643Asp (NM_201381.3); c.8024G>A, p.Gly2675Asp (NM_201382.4); c.8036G>A, p.Gly2679Asp (NM_201383.3); short protein forms G2643D, G2679D, G2702D, G2812D, G2661D, G2675D, G1575D, G2653D.
Identifiers: ClinVar variation 1960539 (VCV001960539.5), dbSNP rs1554687168, ClinGen allele CA372520185.

ClinVar aggregate classification (germline): Uncertain significance (1 of 4 stars; one submission).

Conditions:
Epidermolysis bullosa simplex 5B, with muscular dystrophy (EBS5B). Also called: Epidermolysis bullosa simplex with muscular dystrophy; EPIDERMOLYSIS BULLOSA SIMPLEX AND LIMB-GIRDLE MUSCULAR DYSTROPHY. Identifiers: Orphanet 257, MedGen C2931072, MONDO:0009181, OMIM 226670.
Epidermolysis bullosa simplex, Ogna type (EBS5A). Also called: Pidermolysis bullosa simplex 5A, Ogna type; EPIDERMOLYSIS BULLOSA SIMPLEX 5A, OGNA TYPE. Identifiers: Orphanet 79401, MedGen C0432317, MONDO:0007555, OMIM 131950.
Epidermolysis bullosa simplex with nail dystrophy (EBS5D). Identifiers: MedGen C4225309, MONDO:0014661, OMIM 616487.
Epidermolysis bullosa simplex 5C, with pyloric atresia (EBS5C). Also called: PLEC1-Related Epidermolysis Bullosa with Pyloric Atresia; PLEC-Related Epidermolysis Bullosa with Pyloric Atresia; Epidermolysis bullosa simplex with pyloric atresia. Identifiers: Orphanet 158684, MedGen C2677349, MONDO:0012807, OMIM 612138.
Autosomal recessive limb-girdle muscular dystrophy type 2Q (LGMDR17). Also called: MUSCULAR DYSTROPHY, LIMB-GIRDLE, AUTOSOMAL RECESSIVE 17. Identifiers: Orphanet 254361, MedGen C3150989, MONDO:0013390, OMIM 613723.

Submission:

Labcorp Genetics (formerly Invitae), Labcorp
Classification: Uncertain significance for Autosomal recessive limb-girdle muscular dystrophy type 2Q; Epidermolysis bullosa simplex, Ogna type; Epidermolysis bullosa simplex with nail dystrophy; Epidermolysis bullosa simplex 5C, with pyloric atresia; Epidermolysis bullosa simplex 5B, with muscular dystrophy. Last evaluated: 2024-05-15. Review status: criteria provided, single submitter. Criteria: Invitae Variant Classification Sherloc (09022015). Collection method: clinical testing. Allele origin: germline.
Comment: This sequence change replaces glycine, which is neutral and non-polar, with aspartic acid, which is acidic and polar, at codon 2702 of the PLEC protein (p.Gly2702Asp). The frequency data for this variant in the population databases is considered unreliable, as metrics indicate poor data quality at this position in the gnomAD database. This variant has not been reported in the literature in individuals affected with PLEC-related conditions. ClinVar contains an entry for this variant (Variation ID: 1960539). An algorithm developed to predict the effect of missense changes on protein structure and function (PolyPhen-2) suggests that this variant is likely to be disruptive. In summary, the available evidence is currently insufficient to determine the role of this variant in disease. Therefore, it has been classified as a Variant of Uncertain Significance.